The following is an entry in ClinVar:

NM_138927.4(SON):c.2452A>T (p.Thr818Ser)

Gene: SON (SON DNA and RNA binding protein; plus strand). Cytogenetic location: 21q22.11.
Variant type: single nucleotide variant.
Coding change: c.2452A>T on transcript NM_138927.4 (MANE Select); coding-DNA position 2452, A replaced by T.
Protein change: p.Thr818Ser; replaces threonine 818 with serine.
Molecular consequence: missense variant. On other transcripts: non-coding transcript variant (1), intron variant (1).
Genome position (GRCh38, 1-based): chr21:33,551,683, A>T. VCF-style: chr21-33551683-A-T. GRCh37 (hg19) VCF-style: chr21-34923989-A-T.
Other names: c.2452A>T, p.Thr818Ser (NM_001291411.2, NM_001412133.1, NM_032195.3 and 2 more transcripts); c.244+5304A>T (NM_001291412.3); short protein forms T818S.
Identifiers: ClinVar variation 2636365 (VCV002636365.4), dbSNP rs375408405, ClinGen allele CA410158018.
Genomic context (GRCh38, chr21:33,551,683, plus strand): 5'-ACCAGTTCCATGGACTCCCAGATGTTAGCAACCAGCTCCATGGACTCCCAGATGTTAGCA[A>T]CCAGCTCCATGGACTCCCAGATGTTAGCAACCAGCTCCATGGACTCCCAGATGTTAGCAA-3'
Protein context (NP_620305.3, residues 808-828): TSSMDSQMLA[Thr818Ser]SSMDSQMLAT

ClinVar aggregate classification (germline): Uncertain significance. Review status: criteria provided, multiple submitters, no conflicts (2 of 4 stars). 2 submissions from 2 submitters: Uncertain significance (2). Last evaluated 2023-01-24.

Conditions:
SON-related disorder. Also called: SON-related condition.

Submissions (2):

Labcorp Genetics (formerly Invitae), Labcorp
Classification: Uncertain significance. Last evaluated: 2023-01-24. Review status: criteria provided, single submitter. Criteria: Invitae Variant Classification Sherloc (09022015). Collection method: clinical testing. Allele origin: germline.
Comment: This sequence change replaces threonine, which is neutral and polar, with serine, which is neutral and polar, at codon 818 of the SON protein (p.Thr818Ser). This variant is not present in population databases (gnomAD no frequency). This variant has not been reported in the literature in individuals affected with SON-related conditions. Algorithms developed to predict the effect of missense changes on protein structure and function output the following: SIFT: "Deleterious"; PolyPhen-2: "Benign"; Align-GVGD: "Class C0". The serine amino acid residue is found in multiple mammalian species, which suggests that this missense change does not adversely affect protein function. In summary, the available evidence is currently insufficient to determine the role of this variant in disease. Therefore, it has been classified as a Variant of Uncertain Significance.

PreventionGenetics, part of Exact Sciences
Classification: Uncertain significance for SON-related condition. Last evaluated: 2022-08-29. Review status: criteria provided, single submitter. Criteria: ACMG Guidelines, 2015. Collection method: clinical testing. Allele origin: germline.
Comment: The SON c.2452A>T variant is predicted to result in the amino acid substitution p.Thr818Ser. To our knowledge, this variant has not been reported in the literature or in a large population database, indicating this variant is rare. Although we suspect that this variant may be pathogenic, at this time, the clinical significance of this variant is uncertain due to the absence of conclusive functional and genetic evidence.